The following is an entry in ClinVar:

NM_003803.4(MYOM1):c.1882A>G (p.Thr628Ala)

Gene: MYOM1 (myomesin 1; minus strand). Cytogenetic location: 18p11.31.
Variant type: single nucleotide variant.
Coding change: c.1882A>G on transcript NM_003803.4 (MANE Select); coding-DNA position 1882, A replaced by G.
Protein change: p.Thr628Ala; replaces threonine 628 with alanine.
Molecular consequence: missense variant.
Genome position (GRCh38, 1-based): chr18:3,149,163, T>C on the plus strand (A>G on the coding strand, the complement: MYOM1 is on the minus strand). VCF-style: chr18-3149163-T-C. GRCh37 (hg19) VCF-style: chr18-3149161-T-C.
Other names: c.1882A>G, p.Thr628Ala (NM_019856.2); short protein forms T628A.
Identifiers: ClinVar variation 2148014 (VCV002148014.5), dbSNP rs2080180956, ClinGen allele CA401713887.
Genomic context (GRCh38, chr18:3,149,163, plus strand): 5'-CAAAACATCAGCAATAGTATCTGGGGCAACCAGACTTCTTACCTGAAGGTTCCTCTTCAG[T>C]AACAATGATCTGTCCAGTCCAGGGTGCTGAGGGGCGACCTGAATAAAGACAAATATAAGA-3'
Protein context (NP_003794.3, residues 618-638): SAPWTGQIIV[Thr628Ala]EEEPSEGIVP

ClinVar aggregate classification (germline): Uncertain significance. Review status: criteria provided, multiple submitters, no conflicts (2 of 4 stars). 2 submissions from 2 submitters: Uncertain significance (2). Last evaluated 2025-05-06.

Conditions:
Hypertrophic cardiomyopathy. Also called: HYPERTROPHIC MYOCARDIOPATHY. Identifiers: Orphanet 217569, MedGen C0007194, MeSH D002312, MONDO:0005045, HP:0001639.

Allele frequency attached by ClinVar (database versions not stated): gnomAD exomes below 0.00001; gnomAD 0.00001.
gnomAD v4.1: 4 of 1,613,768 alleles (0.00025%); highest among the groups gnomAD compares: African/African-American, 0.004%; no homozygotes.

Submissions (2):

Ambry Genetics
Classification: Uncertain significance. Last evaluated: 2025-05-06. Review status: criteria provided, single submitter. Criteria: Ambry Variant Classification Scheme 2023. Collection method: clinical testing. Allele origin: germline.
Comment: The p.T628A variant (also known as c.1882A>G), located in coding exon 12 of the MYOM1 gene, results from an A to G substitution at nucleotide position 1882. The threonine at codon 628 is replaced by alanine, an amino acid with similar properties. This amino acid position is conserved. In addition, the in silico prediction for this alteration is inconclusive. Based on the available evidence, the clinical significance of this variant remains unclear.

Labcorp Genetics (formerly Invitae), Labcorp
Classification: Uncertain significance for Hypertrophic cardiomyopathy. Last evaluated: 2023-10-03. Review status: criteria provided, single submitter. Criteria: Invitae Variant Classification Sherloc (09022015). Collection method: clinical testing. Allele origin: germline.
Comment: This sequence change replaces threonine, which is neutral and polar, with alanine, which is neutral and non-polar, at codon 628 of the MYOM1 protein (p.Thr628Ala). This variant is not present in population databases (gnomAD no frequency). This variant has not been reported in the literature in individuals affected with MYOM1-related conditions. ClinVar contains an entry for this variant (Variation ID: 2148014). Advanced modeling of protein sequence and biophysical properties (such as structural, functional, and spatial information, amino acid conservation, physicochemical variation, residue mobility, and thermodynamic stability) has been performed at Invitae for this missense variant, however the output from this modeling did not meet the statistical confidence thresholds required to predict the impact of this variant on MYOM1 protein function. In summary, the available evidence is currently insufficient to determine the role of this variant in disease. Therefore, it has been classified as a Variant of Uncertain Significance.